The following is an entry in ClinVar:

ClinVar aggregate classification (germline): Uncertain significance (1 of 4 stars; one submission).

Conditions:
Hereditary cancer-predisposing syndrome. Also called: Neoplastic Syndromes, Hereditary; Tumor predisposition; Hereditary neoplastic syndrome; Hereditary Cancer Syndrome. Identifiers: Orphanet 140162, MedGen C0027672, MeSH D009386, MONDO:0015356.

gnomAD v4.1: 1 of 1,614,080 alleles (0.000062%); no homozygotes.

Submission:

Ambry Genetics
Classification: Uncertain significance for Hereditary cancer-predisposing syndrome. Last evaluated: 2026-07-30. Review status: criteria provided, single submitter. Criteria: Ambry Variant Classification Scheme 2023. Collection method: clinical testing. Allele origin: germline.
Comment: The p.S174G variant (also known as c.520A>G), located in coding exon 3 of the PDGFRA gene, results from an A to G substitution at nucleotide position 520. The serine at codon 174 is replaced by glycine, an amino acid with similar properties. This amino acid position is well conserved in available vertebrate species. In addition, this alteration is predicted to be tolerated by in silico analysis. Based on the available evidence, the clinical significance of this variant remains unclear.

NM_006206.6(PDGFRA):c.520A>G (p.Ser174Gly)

Gene: PDGFRA (platelet derived growth factor receptor alpha; plus strand). Cytogenetic location: 4q12.
Variant type: single nucleotide variant.
Coding change: c.520A>G on transcript NM_006206.6 (MANE Select); coding-DNA position 520, A replaced by G.
Protein change: p.Ser174Gly; replaces serine 174 with glycine.
Molecular consequence: missense variant.
Genome position (GRCh38, 1-based): chr4:54,263,819, A>G. VCF-style: chr4-54263819-A-G. GRCh37 (hg19) VCF-style: chr4-55129986-A-G.
Other names: c.520A>G, p.Ser174Gly (NM_001347827.2, NM_001347829.2); c.595A>G, p.Ser199Gly (NM_001347828.2); c.559A>G, p.Ser187Gly (NM_001347830.2); short protein forms S174G, S187G, S199G.
Identifiers: ClinVar variation 5026391 (VCV005026391.1).
Genomic context (GRCh38, chr4:54,263,819, plus strand): 5'-GATCCCGAGACTCCTGTAACCTTACACAACAGTGAGGGGGTGGTACCTGCCTCCTACGAC[A>G]GCAGACAGGGCTTTAATGGGACCTTCACTGTAGGGCCCTATATCTGTGAGGCCACCGTCA-3'
Protein context (NP_006197.1, residues 164-184): SEGVVPASYD[Ser174Gly]RQGFNGTFTV